The following is an entry in ClinVar:

ClinVar aggregate classification (germline): Likely benign (1 of 4 stars; one submission).

Conditions:
HK1-related disorder. Also called: HK1-related condition; HK1-related disorders.

gnomAD v4.1: 328 of 1,614,052 alleles (0.02%); highest among the groups gnomAD compares: Non-Finnish European, 0.027%; no homozygotes.

Submission:

PreventionGenetics, part of Exact Sciences
Classification: Likely benign for HK1-related condition. Last evaluated: 2026-02-04. Review status: criteria provided, single submitter. Criteria: ACMG Guidelines, 2015. Collection method: clinical testing. Allele origin: germline.
Comment: This variant is classified as likely benign based on ACMG/AMP sequence variant interpretation guidelines (Richards et al. 2015 PMID: 25741868, with internal and published modifications).

NM_001358263.1(HK1):c.75+20274G>A

Gene: HK1 (hexokinase 1; plus strand). Cytogenetic location: 10q22.1.
Variant type: single nucleotide variant.
Coding change: c.75+20274G>A on transcript NM_001358263.1 (MANE Plus Clinical); 20274 bases into the intron after coding-DNA position 75, G replaced by A.
Molecular consequence: intron variant. On other transcripts: 5 prime UTR variant (1).
Genome position (GRCh38, 1-based): chr10:69,315,954, G>A. VCF-style: chr10-69315954-G-A. GRCh37 (hg19) VCF-style: chr10-71075710-G-A.
Other names: c.-1G>A (NM_033496.3); c.27+15093G>A (NM_033500.2); c.168+20274G>A (NM_001322365.2); c.75+20274G>A (NM_033498.3, NM_033497.3, NM_001322364.2).
Identifiers: ClinVar variation 4979633 (VCV004979633.1).
Genomic context (GRCh38, chr10:69,315,954, plus strand): 5'-TGGCCCACCTGTGGCATCCCAGGTTCCTGCCCTGTAAAGAGGAGTCTGGGTGTATATCCA[G>A]ATGGACTGTGAGCACAGCCTGAGTTTGCCCTGTCGAGGTGCTGAGGCCTGGGAGATTGGG-3'